The following is an entry in ClinVar:

ClinVar aggregate classification (germline): Uncertain significance (1 of 4 stars; one submission).

Conditions:
Autosomal recessive ataxia, Beauce type. Also called: SYNE1 Deficiency; Spinocerebellar ataxia, autosomal recessive 8; ATAXIA, RECESSIVE, OF BEAUCE; SYNE1-Related Autosomal Recessive Cerebellar Ataxia. Identifiers: Orphanet 88644, MedGen C1853116, MONDO:0012549, OMIM 610743.
Emery-Dreifuss muscular dystrophy 4, autosomal dominant (EDMD4). Also called: EMERY-DREIFUSS MUSCULAR DYSTROPHY 4 WITH VARIABLE FEATURES. Identifiers: Orphanet 261, MedGen C2751807, MONDO:0013071, OMIM 612998.

Allele frequency attached by ClinVar (database versions not stated): gnomAD exomes below 0.00001; ExAC 0.00001.
gnomAD v4.1: 2 of 1,614,094 alleles (0.00012%); highest among the groups gnomAD compares: Non-Finnish European, 0.00017%; no homozygotes.

Submission:

Labcorp Genetics (formerly Invitae), Labcorp
Classification: Uncertain significance for Emery-Dreifuss muscular dystrophy 4, autosomal dominant; Autosomal recessive ataxia, Beauce type. Last evaluated: 2022-06-13. Review status: criteria provided, single submitter. Criteria: Invitae Variant Classification Sherloc (09022015). Collection method: clinical testing. Allele origin: germline.
Comment: In summary, the available evidence is currently insufficient to determine the role of this variant in disease. Therefore, it has been classified as a Variant of Uncertain Significance. Algorithms developed to predict the effect of missense changes on protein structure and function (SIFT, PolyPhen-2, Align-GVGD) all suggest that this variant is likely to be disruptive. This variant has not been reported in the literature in individuals affected with SYNE1-related conditions. This variant is present in population databases (rs770605182, gnomAD 0.0009%). This sequence change replaces serine, which is neutral and polar, with proline, which is neutral and non-polar, at codon 3842 of the SYNE1 protein (p.Ser3842Pro).

NM_182961.4(SYNE1):c.11569T>C (p.Ser3857Pro)

Gene: SYNE1 (spectrin repeat containing nuclear envelope protein 1; minus strand). Cytogenetic location: 6q25.2.
Variant type: single nucleotide variant.
Coding change: c.11569T>C on transcript NM_182961.4 (MANE Select); coding-DNA position 11569, T replaced by C.
Protein change: p.Ser3857Pro; replaces serine 3857 with proline.
Molecular consequence: missense variant.
Genome position (GRCh38, 1-based): chr6:152,352,038, A>G on the plus strand (T>C on the coding strand, the complement: SYNE1 is on the minus strand). VCF-style: chr6-152352038-A-G. GRCh37 (hg19) VCF-style: chr6-152673173-A-G.
Other names: c.11524T>C, p.Ser3842Pro (NM_033071.5); short protein forms S3842P, S3857P.
Identifiers: ClinVar variation 2005506 (VCV002005506.4), dbSNP rs770605182, ClinGen allele CA4056665.